The following is an entry in ClinVar:

NM_006379.5(SEMA3C):c.371G>A (p.Arg124His)

Gene: SEMA3C (semaphorin 3C; minus strand). Cytogenetic location: 7q21.11.
Variant type: single nucleotide variant.
Coding change: c.371G>A on transcript NM_006379.5 (MANE Select); coding-DNA position 371, G replaced by A.
Protein change: p.Arg124His; replaces arginine 124 with histidine.
Molecular consequence: missense variant.
Genome position (GRCh38, 1-based): chr7:80,818,375, C>T on the plus strand (G>A on the coding strand, the complement: SEMA3C is on the minus strand). VCF-style: chr7-80818375-C-T. GRCh37 (hg19) VCF-style: chr7-80447691-C-T.
Other names: c.425G>A, p.Arg142His (NM_001350120.2); c.197G>A, p.Arg66His (NM_001350121.2); short protein forms R124H, R66H, R142H.
Identifiers: ClinVar variation 4978024 (VCV004978024.1).

ClinVar aggregate classification (germline): Uncertain significance (1 of 4 stars; one submission).

Conditions:
SEMA3C-related disorder. Also called: SEMA3C-related condition.

gnomAD v4.1: 17 of 1,613,140 alleles (0.0011%); highest among the groups gnomAD compares: African/African-American, 0.0027%; no homozygotes.

Submission:

PreventionGenetics, part of Exact Sciences
Classification: Uncertain significance for SEMA3C-related condition. Last evaluated: 2025-06-02. Review status: criteria provided, single submitter. Criteria: ACMG Guidelines, 2015. Collection method: clinical testing. Allele origin: germline.
Comment: The SEMA3C c.425G>A variant is predicted to result in the amino acid substitution p.Arg142His. To our knowledge, this variant has not been reported in the literature. This variant is reported in 0.0018% of alleles in individuals of European (Non-Finnish) descent in gnomAD. At this time, the clinical significance of this variant is uncertain due to the absence of conclusive functional and genetic evidence.